The following is an entry in ClinVar:

ClinVar aggregate classification (germline): Conflicting classifications of pathogenicity. Review status: criteria provided, conflicting classifications (1 of 4 stars). 3 submissions from 3 submitters: Uncertain significance (2); Likely benign (1). Last evaluated 2025-11-25.

Conditions:
Hereditary diffuse gastric adenocarcinoma (HDGC). Also called: DIFFUSE GASTRIC AND LOBULAR BREAST CANCER SYNDROME. Identifiers: Orphanet 26106, MedGen C1708349, MONDO:0007648, OMIM 137215.
Hereditary cancer-predisposing syndrome. Also called: Neoplastic Syndromes, Hereditary; Tumor predisposition; Hereditary neoplastic syndrome; Hereditary Cancer Syndrome. Identifiers: Orphanet 140162, MedGen C0027672, MeSH D009386, MONDO:0015356.

gnomAD v4.1: 11 of 1,613,438 alleles (0.00068%); highest among the groups gnomAD compares: Non-Finnish European, 0.00093%; no homozygotes.

Submissions (3):

Labcorp Genetics (formerly Invitae), Labcorp
Classification: Uncertain significance for Hereditary diffuse gastric adenocarcinoma. Last evaluated: 2025-11-25. Review status: criteria provided, single submitter. Criteria: Invitae Variant Classification Sherloc (09022015). Collection method: clinical testing. Allele origin: germline.
Comment: This sequence change falls in intron 6 of the CDH1 gene. It does not directly change the encoded amino acid sequence of the CDH1 protein. It affects a nucleotide within the consensus splice site. This variant is not present in population databases (gnomAD no frequency). This variant has not been reported in the literature in individuals affected with CDH1-related conditions. ClinVar contains an entry for this variant (Variation ID: 681578). Variants that disrupt the consensus splice site are a relatively common cause of aberrant splicing (PMID: 17576681, 9536098). Algorithms developed to predict the effect of sequence changes on RNA splicing suggest that this variant is not likely to affect RNA splicing. In summary, the available evidence is currently insufficient to determine the role of this variant in disease. Therefore, it has been classified as a Variant of Uncertain Significance.

Sema4
Classification: Uncertain significance for Hereditary cancer-predisposing syndrome. Last evaluated: 2022-02-14. Review status: criteria provided, single submitter. Criteria: Sema4 Curation Guidelines. Collection method: curation. Allele origin: germline.
Comment: The CDH1 c.832+6T>C variant has not been reported in the literature to our knowledge. It was not observed in the large and broad cohorts of the Genome Aggregation Database (PMID: 32461654). This variant has been reported in ClinVar (Variation ID 681578). The algorithms developed to predict the effect of sequence changes on RNA splicing suggest that this variant is not likely to affect RNA splicing, though these predictions have not been confirmed by transcriptional studies. The overall evidence is inconsistent with ACMG/AMP requirements for a classification of benign or pathogenic. In summary, the clinical significance of this variant is currently uncertain.

GeneDx
Classification: Likely benign. Last evaluated: 2018-04-02. Review status: criteria provided, single submitter. Criteria: GeneDx Variant Classification (06012015). Collection method: clinical testing. Allele origin: germline. Affected: yes.
Comment: This variant is considered likely benign or benign based on one or more of the following criteria: it is a conservative change, it occurs at a poorly conserved position in the protein, it is predicted to be benign by multiple in silico algorithms, and/or has population frequency not consistent with disease.

Literature cited by the submitters: PubMed 17576681 (cited by Labcorp Genetics (formerly Invitae), Labcorp); PubMed 9536098 (cited by Labcorp Genetics (formerly Invitae), Labcorp).

NM_004360.5(CDH1):c.832+6T>C

Gene: CDH1 (cadherin 1; plus strand). Cytogenetic location: 16q22.1.
Variant type: single nucleotide variant.
Coding change: c.832+6T>C on transcript NM_004360.5 (MANE Select); 6 bases into the intron after coding-DNA position 832, T replaced by C.
Molecular consequence: intron variant.
Genome position (GRCh38, 1-based): chr16:68,810,347, T>C. VCF-style: chr16-68810347-T-C. GRCh37 (hg19) VCF-style: chr16-68844250-T-C.
Other names: c.-784+6T>C (NM_001317185.2); c.-988+6T>C (NM_001317186.2); c.832+6T>C (NM_001317184.2).
Identifiers: ClinVar variation 681578 (VCV000681578.10), dbSNP rs1567505832, ClinGen allele CA915949305.